The following is an entry in ClinVar:

NM_012330.4(KAT6B):c.2963C>A (p.Thr988Asn)

Gene: KAT6B (lysine acetyltransferase 6B; plus strand). Cytogenetic location: 10q22.2.
Variant type: single nucleotide variant.
Coding change: c.2963C>A on transcript NM_012330.4 (MANE Select); coding-DNA position 2963, C replaced by A.
Protein change: p.Thr988Asn; replaces threonine 988 with asparagine.
Molecular consequence: missense variant.
Genome position (GRCh38, 1-based): chr10:75,021,227, C>A. VCF-style: chr10-75021227-C-A. GRCh37 (hg19) VCF-style: chr10-76780985-C-A.
Other names: c.1898C>A, p.Thr633Asn (NM_001370144.1, NM_001370143.1); c.2414C>A, p.Thr805Asn (NM_001256468.2, NM_001370138.1); c.2087C>A, p.Thr696Asn (NM_001256469.2, NM_001370139.1, NM_001370140.1 and 2 more transcripts); c.1925C>A, p.Thr642Asn (NM_001370132.1); c.1274C>A, p.Thr425Asn (NM_001370133.1); c.878C>A, p.Thr293Asn (NM_001370134.1); c.620C>A, p.Thr207Asn (NM_001370135.1); c.2963C>A, p.Thr988Asn (NM_001370136.1, NM_001370137.1); short protein forms T293N, T696N, T207N, T642N, T425N, T805N, T633N, T988N.
Identifiers: ClinVar variation 2866326 (VCV002866326.4), dbSNP rs1845383523, ClinGen allele CA377282342.
Genomic context (GRCh38, chr10:75,021,227, plus strand): 5'-TGGAAAAGCTGAAAACCTGTTCCAGAGCCAATGAACTTGATCCAGACAGTCTGAGGTGGA[C>A]CCCAATTTTAATTTCTAATGCTGCAGTGTCTGAAGAAGAGCGAGAAGCTGAGAAAGAGGT-3'
Protein context (NP_036462.2, residues 978-998): NELDPDSLRW[Thr988Asn]PILISNAAVS

ClinVar aggregate classification (germline): Conflicting classifications of pathogenicity. Review status: criteria provided, conflicting classifications (1 of 4 stars). 2 submissions from 2 submitters: Uncertain significance (1); Likely benign (1). Last evaluated 2024-09-20.

Conditions:
Genitopatellar syndrome (GTPTS). Also called: Genitopatellar syndrome (GPS); ABSENT PATELLAE, SCROTAL HYPOPLASIA, RENAL ANOMALIES, FACIAL DYSMORPHISM, AND MENTAL RETARDATION. Identifiers: Orphanet 85201, MedGen C1853566, MONDO:0011640, OMIM 606170.
Blepharophimosis - intellectual disability syndrome, SBBYS type (SBBYSS). Also called: Say-Barber-Biesecker-Young-Simpson variant of Ohdo Syndrome; Say-Barber-Biesecker Variant of Ohdo Syndrome; Young Simpson syndrome; Mental retardation unusual facies hypothyroidism; Say-Barber-Biesecker variant of Ohdo syndrome (SBBYSS); Ohdo syndrome, SBBYS variant. Identifiers: Orphanet 3047, MedGen C1863557, MONDO:0011365, OMIM 603736.

Submissions (2):

3billion
Classification: Likely benign for Genitopatellar syndrome; Blepharophimosis - intellectual disability syndrome, SBBYS type. Last evaluated: 2024-09-20. Review status: criteria provided, single submitter. Criteria: ACMG Guidelines, 2015. Collection method: clinical testing. Allele origin: germline. Affected: no.
Comment: The variant was identified in at least one patient who was diagnosed with a different variant in another gene and showed no symptoms related to the gene containing the variant in question.

Labcorp Genetics (formerly Invitae), Labcorp
Classification: Uncertain significance for Genitopatellar syndrome. Last evaluated: 2023-05-20. Review status: criteria provided, single submitter. Criteria: Invitae Variant Classification Sherloc (09022015). Collection method: clinical testing. Allele origin: germline.
Comment: In summary, the available evidence is currently insufficient to determine the role of this variant in disease. Therefore, it has been classified as a Variant of Uncertain Significance. Advanced modeling of protein sequence and biophysical properties (such as structural, functional, and spatial information, amino acid conservation, physicochemical variation, residue mobility, and thermodynamic stability) has been performed at Invitae for this missense variant, however the output from this modeling did not meet the statistical confidence thresholds required to predict the impact of this variant on KAT6B protein function. This variant has not been reported in the literature in individuals affected with KAT6B-related conditions. This variant is not present in population databases (gnomAD no frequency). This sequence change replaces threonine, which is neutral and polar, with asparagine, which is neutral and polar, at codon 988 of the KAT6B protein (p.Thr988Asn).